The following is an entry in ClinVar:

NM_000397.4(CYBB):c.1154T>G (p.Ile385Arg)

Gene: CYBB (cytochrome b-245 beta chain; plus strand). Cytogenetic location: Xp11.4.
Variant type: single nucleotide variant.
Coding change: c.1154T>G on transcript NM_000397.4 (MANE Select); coding-DNA position 1154, T replaced by G.
Protein change: p.Ile385Arg; replaces isoleucine 385 with arginine.
Molecular consequence: missense variant.
Genome position (GRCh38, 1-based): chrX:37,805,008, T>G. VCF-style: chrX-37805008-T-G. GRCh37 (hg19) VCF-style: chrX-37664261-T-G.
Other names: short protein forms I385R.
Identifiers: ClinVar variation 4997969 (VCV004997969.1).

ClinVar aggregate classification (germline): Pathogenic (1 of 4 stars; one submission).

Conditions:
CYBB-related disorder. Also called: CYBB-related condition.

Submission:

PreventionGenetics, part of Exact Sciences
Classification: Pathogenic for CYBB-related condition. Last evaluated: 2025-07-22. Review status: criteria provided, single submitter. Criteria: ACMG Guidelines, 2015. Collection method: clinical testing. Allele origin: germline.
Comment: The CYBB c.1154T>G variant is predicted to result in the amino acid substitution p.Ile385Arg. This variant has been reported in multiple individuals with chronic granulomatous disease (CGD; Roos et al. 2010. PubMed ID: 20729109; Table S2, Rawat et al. 2021. PubMed ID: 33717137; Chiu et al. 2022. PubMed ID: 35140711; Chan et al. 2022. PubMed ID: 35874699; Table S4, Kuhns et al. 2010. PubMed ID: 21190454). In vitro studies with patient neutrophils found undetectable p91-phox protein levels and minimal residual NADPH oxidase activity (Table S4, Kuhns et al. 2010. PubMed ID: 21190454). This variant has not been reported in a large population database (gnomAD), indicating this variant is rare. This variant is interpreted as pathogenic.